The following is an entry in ClinVar:

NM_004456.5(EZH2):c.2233G>T (p.Glu745Ter)

Gene: EZH2 (enhancer of zeste 2 polycomb repressive complex 2 subunit; minus strand). Cytogenetic location: 7q36.1.
Variant type: single nucleotide variant.
Coding change: c.2233G>T on transcript NM_004456.5 (MANE Select); coding-DNA position 2233, G replaced by T.
Protein change: p.Glu745Ter; replaces glutamic acid 745 with a stop codon.
Molecular consequence: nonsense.
Genome position (GRCh38, 1-based): chr7:148,807,669, C>A on the plus strand (G>T on the coding strand, the complement: EZH2 is on the minus strand). VCF-style: chr7-148807669-C-A. GRCh37 (hg19) VCF-style: chr7-148504761-C-A.
Other names: c.2218G>T, p.Glu740Ter (NM_001203247.2); c.2191G>T, p.Glu731Ter (NM_001203248.2); c.2065G>T, p.Glu689Ter (NM_001203249.2); c.2101G>T, p.Glu701Ter (NM_152998.3); short protein forms E689*, E701*, E731*, E740*, E745*.
Identifiers: ClinVar variation 2663660 (VCV002663660.1), dbSNP rs397515548, ClinGen allele CA369711782.
Genomic context (GRCh38, chr7:148,807,669, plus strand): 5'-CAGCTGTTTCAGAGGAGGGGGGAGGAGGTAGCAGATGTCAAGGGATTTCCATTTCTCTTT[C>A]GATGCCGACATACTTCAGGGCATCAGCCTGGCTGTATCTGAAACAACAGGAAGGAGATGT-3'

ClinVar aggregate classification (germline): Uncertain significance (1 of 4 stars; one submission).

Submission:

GeneDx
Classification: Uncertain significance. Last evaluated: 2023-05-02. Review status: criteria provided, single submitter. Criteria: GeneDx Variant Classification Process June 2021. Collection method: clinical testing. Allele origin: germline. Affected: yes.
Comment: Not observed at significant frequency in large population cohorts (gnomAD); Nonsense variant predicted to result in protein truncation as the last 7 amino acids are lost; Has not been previously published as pathogenic or benign to our knowledge